The following is an entry in ClinVar:

ClinVar aggregate classification (germline): Uncertain significance (1 of 4 stars; one submission).

Conditions:
Candidiasis, familial, 6 (CANDF6). Also called: Candidiasis, familial, 6, autosomal dominant. Identifiers: Orphanet 1334, MedGen C3151405, MONDO:0013503, OMIM 613956.

Allele frequency attached by ClinVar (database versions not stated): gnomAD exomes below 0.00001.
gnomAD v4.1: 3 of 1,613,528 alleles (0.00019%); highest among the groups gnomAD compares: Non-Finnish European, 0.00025%; no homozygotes.

Submission:

Labcorp Genetics (formerly Invitae), Labcorp
Classification: Uncertain significance for Candidiasis, familial, 6. Last evaluated: 2019-09-13. Review status: criteria provided, single submitter. Criteria: Invitae Variant Classification Sherloc (09022015). Collection method: clinical testing. Allele origin: germline.
Comment: In summary, the available evidence is currently insufficient to determine the role of this variant in disease. Therefore, it has been classified as a Variant of Uncertain Significance. Algorithms developed to predict the effect of missense changes on protein structure and function output the following: SIFT: "Tolerated"; PolyPhen-2: "Benign"; Align-GVGD: "Class C0". The threonine amino acid residue is found in multiple mammalian species, suggesting that this missense change does not adversely affect protein function. These predictions have not been confirmed by published functional studies and their clinical significance is uncertain. This variant has not been reported in the literature in individuals with IL17F-related conditions. This variant is not present in population databases (ExAC no frequency). This sequence change replaces isoleucine with threonine at codon 19 of the IL17F protein (p.Ile19Thr). The isoleucine residue is weakly conserved and there is a moderate physicochemical difference between isoleucine and threonine.

NM_052872.4(IL17F):c.56T>C (p.Ile19Thr)

Gene: IL17F (interleukin 17F; minus strand). Cytogenetic location: 6p12.2.
Variant type: single nucleotide variant.
Coding change: c.56T>C on transcript NM_052872.4 (MANE Select); coding-DNA position 56, T replaced by C.
Protein change: p.Ile19Thr; replaces isoleucine 19 with threonine.
Molecular consequence: missense variant.
Genome position (GRCh38, 1-based): chr6:52,238,928, A>G on the plus strand (T>C on the coding strand, the complement: IL17F is on the minus strand). VCF-style: chr6-52238928-A-G. GRCh37 (hg19) VCF-style: chr6-52103726-A-G.
Other names: short protein forms I19T.
Identifiers: ClinVar variation 958519 (VCV000958519.9), dbSNP rs1764019189, ClinGen allele CA364445281.